The following is an entry in ClinVar:

NM_001372.4(DNAH9):c.9013-3T>C

Gene: DNAH9 (dynein axonemal heavy chain 9; plus strand). Cytogenetic location: 17p12.
Variant type: single nucleotide variant.
Coding change: c.9013-3T>C on transcript NM_001372.4 (MANE Select); 3 bases into the intron before coding-DNA position 9013, T replaced by C.
Molecular consequence: intron variant.
Genome position (GRCh38, 1-based): chr17:11,822,798, T>C. VCF-style: chr17-11822798-T-C. GRCh37 (hg19) VCF-style: chr17-11726115-T-C.
Identifiers: ClinVar variation 4723565 (VCV004723565.1).

ClinVar aggregate classification (germline): Uncertain significance (1 of 4 stars; one submission).

Submission:

Labcorp Genetics (formerly Invitae), Labcorp
Classification: Uncertain significance. Last evaluated: 2025-07-28. Review status: criteria provided, single submitter. Criteria: Invitae Variant Classification Sherloc (09022015). Collection method: clinical testing. Allele origin: germline.
Comment: This sequence change falls in intron 47 of the DNAH9 gene. It does not directly change the encoded amino acid sequence of the DNAH9 protein. It affects a nucleotide within the consensus splice site. This variant is not present in population databases (gnomAD no frequency). This variant has not been reported in the literature in individuals affected with DNAH9-related conditions. Variants that disrupt the consensus splice site are a relatively common cause of aberrant splicing (PMID: 17576681, 9536098). Algorithms developed to predict the effect of sequence changes on RNA splicing suggest that this variant is not likely to affect RNA splicing. In summary, the available evidence is currently insufficient to determine the role of this variant in disease. Therefore, it has been classified as a Variant of Uncertain Significance.

Literature cited by the submitters: PubMed 17576681; PubMed 9536098.